The following is an entry in ClinVar:

NM_013432.5(TONSL):c.595G>A (p.Glu199Lys)

Gene: TONSL (tonsoku like, DNA repair protein; minus strand). Cytogenetic location: 8q24.3.
Variant type: single nucleotide variant.
Coding change: c.595G>A on transcript NM_013432.5 (MANE Select); coding-DNA position 595, G replaced by A.
Protein change: p.Glu199Lys; replaces glutamic acid 199 with lysine.
Molecular consequence: missense variant.
Genome position (GRCh38, 1-based): chr8:144,442,396, C>T on the plus strand (G>A on the coding strand, the complement: TONSL is on the minus strand). VCF-style: chr8-144442396-C-T. GRCh37 (hg19) VCF-style: chr8-145667779-C-T.
Other names: short protein forms E199K.
Identifiers: ClinVar variation 638067 (VCV000638067.8), dbSNP rs1335783881, ClinGen allele CA372676966.

ClinVar aggregate classification (germline): Uncertain significance. Review status: criteria provided, multiple submitters, no conflicts (2 of 4 stars). 4 submissions from 4 submitters: Uncertain significance (2). 2 of the submissions do not count toward it. Last evaluated 2022-08-19.

Conditions:
Skeletal dysplaisia with extra-skeletal manifestations.
TONSL-related disorder. Also called: TONSL-related condition.
Sponastrime dysplasia. Also called: SPONDYLAR AND NASAL ALTERATIONS WITH STRIATED METAPHYSES. Identifiers: Orphanet 93357, MedGen C1300260, MONDO:0010068, OMIM 271510.

Allele frequency attached by ClinVar (database versions not stated): TOPMed below 0.00001; gnomAD 0.00001; gnomAD exomes 0.00001.
gnomAD v4.1: 12 of 1,552,200 alleles (0.00077%); highest among the groups gnomAD compares: Middle Eastern, 0.017%; no homozygotes.

Submissions (4):

Labcorp Genetics (formerly Invitae), Labcorp
Classification: Uncertain significance. Last evaluated: 2022-08-19. Review status: criteria provided, single submitter. Criteria: Invitae Variant Classification Sherloc (09022015). Collection method: clinical testing. Allele origin: germline.
Comment: This sequence change replaces glutamic acid, which is acidic and polar, with lysine, which is basic and polar, at codon 199 of the TONSL protein (p.Glu199Lys). This variant is not present in population databases (gnomAD no frequency). This missense change has been observed in individual(s) with clinical features of sponastrime dysplasia (PMID: 30773277). ClinVar contains an entry for this variant (Variation ID: 638067). Algorithms developed to predict the effect of missense changes on protein structure and function are either unavailable or do not agree on the potential impact of this missense change (SIFT: "Deleterious"; PolyPhen-2: "Probably Damaging"; Align-GVGD: "Class C15"). In summary, the available evidence is currently insufficient to determine the role of this variant in disease. Therefore, it has been classified as a Variant of Uncertain Significance.

Undiagnosed Diseases Network, NIH
Classification: Uncertain significance for TONSL-related condition. Last evaluated: 2016-11-01. Review status: criteria provided, single submitter. Criteria: ACMG Guidelines, 2015. Collection method: clinical testing. Allele origin: paternal. Inheritance: Autosomal recessive inheritance. Affected: yes. Observed: 2 variant alleles, 2 compound heterozygotes. Clinical features observed: Vitamin D deficiency (HP:0100512), Short philtrum (HP:0000322), Recurrent infections (HP:0002719), Pes planus (HP:0001763), Mild short stature (HP:0003502), High palate (HP:0000218), Fragile nails (HP:0001808), Delayed eruption of teeth (HP:0000684), Deep-set nails (HP:0001814), IgM deficiency (HP:0002850), IgG deficiency (HP:0004315), IgA deficiency (HP:0002720), and 3 more. Study: Undiagnosed Diseases Network (NIH), UDN.

OMIM
Classification: Pathogenic for SPONDYLOEPIMETAPHYSEAL DYSPLASIA, SPONASTRIME TYPE. Last evaluated: 2019-07-24. Review status: no assertion criteria provided. Collection method: literature only. Allele origin: germline. Not counted in ClinVar's aggregate classification.

University of Washington Center for Mendelian Genomics, University of Washington
Classification: Likely pathogenic for Skeletal dysplaisia with extra-skeletal manifestations. Review status: no assertion criteria provided. Collection method: research. Allele origin: inherited. Affected: yes. Not counted in ClinVar's aggregate classification.

Literature cited by the submitters: PubMed 30773277 (cited by 4 submitters).